The following is an entry in ClinVar:

ClinVar aggregate classification (germline): Likely pathogenic (1 of 4 stars; one submission).

Conditions:
Developmental and epileptic encephalopathy, 2 (DEE2). Also called: CDKL5 deficiency disorder; INFANTILE SPASM SYNDROME, X-LINKED 2. Identifiers: Orphanet 1934, Orphanet 3451, Orphanet 505652, MedGen C4750718, MONDO:0010396, OMIM 300672.

Submission:

3billion
Classification: Likely pathogenic for Developmental and epileptic encephalopathy, 2. Last evaluated: 2023-07-21. Review status: criteria provided, single submitter. Criteria: ACMG Guidelines, 2015. Collection method: clinical testing. Allele origin: germline. Affected: yes.
Comment: The variant is not observed in the gnomAD v2.1.1 dataset. Predicted Consequence/Location: Frameshift: predicted to result in a loss or disruption of normal protein function through nonsense-mediated decay (NMD) or protein truncation. Multiple pathogenic variants are reported downstream of the variant. Therefore, this variant is classified as Likely pathogenic according to the recommendation of ACMG/AMP guideline.

NM_003159.3(CDKL5):c.2927dup (p.Thr977fs)

Genes: CDKL5 (cyclin dependent kinase like 5; plus strand), RS1 (retinoschisin 1; minus strand). Cytogenetic location: Xp22.13.
Variant type: Duplication.
Coding change: c.2927dup on transcript NM_003159.3; coding-DNA position 2927, one base duplicated (C; older notation c.2927dupC).
Protein change: p.Thr977fs; shifts the reading frame from threonine 977.
Molecular consequence: frameshift variant. On other transcripts: intron variant (1).
Genome position (GRCh38, 1-based): chrX:18,650,539, C duplicated; the last of 3 consecutive C bases (chrX:18,650,537-18,650,539); duplicating any one gives the same sequence. VCF-style (leftmost placement, unchanged base first): chrX-18650536-G-GC. GRCh37 (hg19) VCF-style: chrX-18668656-G-GC.
Other names: c.2927dup, p.Thr977fs (NM_001037343.2); c.185-3205dup (NM_000330.4); short protein forms T977fs.
Identifiers: ClinVar variation 3776027 (VCV003776027.1).